The following is an entry in ClinVar:

ClinVar aggregate classification (germline): Conflicting classifications of pathogenicity. Review status: criteria provided, conflicting classifications (1 of 4 stars). 3 submissions from 3 submitters: Uncertain significance (1); Likely benign (1). 1 of the submissions does not count toward it. Last evaluated 2025-09-02.

Conditions:
ZNF335-related disorder. Also called: ZNF335-related condition.

Allele frequency attached by ClinVar (database versions not stated): ESP Exome Variant Server 0.00008; gnomAD 0.00016; TOPMed 0.00022; 1000 Genomes Project 30x 0.00031.

Submissions (3):

Labcorp Genetics (formerly Invitae), Labcorp
Classification: Likely benign. Last evaluated: 2025-09-02. Review status: criteria provided, single submitter. Criteria: Invitae Variant Classification Sherloc (09022015). Collection method: clinical testing. Allele origin: germline.

Genetic Services Laboratory, University of Chicago
Classification: Uncertain significance. Last evaluated: 2015-05-11. Review status: criteria provided, single submitter. Criteria: ACMG Guidelines, 2015. Collection method: clinical testing. Allele origin: germline.

PreventionGenetics, part of Exact Sciences
Classification: Likely benign for ZNF335-related condition. Last evaluated: 2019-05-07. Review status: no assertion criteria provided. Collection method: clinical testing. Allele origin: germline. Not counted in ClinVar's aggregate classification.
Comment: This variant is classified as likely benign based on ACMG/AMP sequence variant interpretation guidelines (Richards et al. 2015 PMID: 25741868, with internal and published modifications).

NM_022095.4(ZNF335):c.3639C>T (p.Thr1213=)

Gene: ZNF335 (zinc finger protein 335; minus strand). Cytogenetic location: 20q13.12.
Variant type: single nucleotide variant.
Coding change: c.3639C>T on transcript NM_022095.4 (MANE Select); coding-DNA position 3639, C replaced by T.
Protein change: p.Thr1213=; no amino-acid change (threonine 1213 retained).
Molecular consequence: synonymous variant.
Genome position (GRCh38, 1-based): chr20:45,949,830, G>A on the plus strand (C>T on the coding strand, the complement: ZNF335 is on the minus strand). VCF-style: chr20-45949830-G-A. GRCh37 (hg19) VCF-style: chr20-44578469-G-A.
Identifiers: ClinVar variation 212651 (VCV000212651.17), dbSNP rs191074858, ClinGen allele CA205563.